The following is an entry in ClinVar:

NM_000528.4(MAN2B1):c.2521C>T (p.Arg841Cys)

Gene: MAN2B1 (mannosidase alpha class 2B member 1; minus strand). Cytogenetic location: 19p13.13.
Variant type: single nucleotide variant.
Coding change: c.2521C>T on transcript NM_000528.4 (MANE Select); coding-DNA position 2521, C replaced by T.
Protein change: p.Arg841Cys; replaces arginine 841 with cysteine.
Molecular consequence: missense variant.
Genome position (GRCh38, 1-based): chr19:12,648,318, G>A on the plus strand (C>T on the coding strand, the complement: MAN2B1 is on the minus strand). VCF-style: chr19-12648318-G-A. GRCh37 (hg19) VCF-style: chr19-12759132-G-A.
Other names: c.2518C>T, p.Arg840Cys (NM_001173498.2); short protein forms R841C, R840C.
Identifiers: ClinVar variation 1965049 (VCV001965049.5), dbSNP rs2023748701, ClinGen allele CA404240110.

ClinVar aggregate classification (germline): Uncertain significance (1 of 4 stars; one submission).

Conditions:
Deficiency of alpha-mannosidase (MANSA). Also called: LYSOSOMAL ALPHA-D-MANNOSIDASE DEFICIENCY; Alpha-Mannosidosis; Mannosidosis, alpha-, types I and II. Identifiers: Orphanet 61, MedGen C0024748, MONDO:0009561, OMIM 248500.

Allele frequency attached by ClinVar (database versions not stated): TOPMed below 0.00001.

Submission:

Labcorp Genetics (formerly Invitae), Labcorp
Classification: Uncertain significance for Deficiency of alpha-mannosidase. Last evaluated: 2022-07-12. Review status: criteria provided, single submitter. Criteria: Invitae Variant Classification Sherloc (09022015). Collection method: clinical testing. Allele origin: germline.
Comment: This sequence change replaces arginine, which is basic and polar, with cysteine, which is neutral and slightly polar, at codon 841 of the MAN2B1 protein (p.Arg841Cys). This variant is not present in population databases (gnomAD no frequency). This variant has not been reported in the literature in individuals affected with MAN2B1-related conditions. Algorithms developed to predict the effect of missense changes on protein structure and function are either unavailable or do not agree on the potential impact of this missense change (SIFT: "Deleterious"; PolyPhen-2: "Possibly Damaging"; Align-GVGD: "Class C0"). In summary, the available evidence is currently insufficient to determine the role of this variant in disease. Therefore, it has been classified as a Variant of Uncertain Significance.